The following is an entry in ClinVar:

ClinVar aggregate classification (germline): Pathogenic. Review status: criteria provided, multiple submitters, no conflicts (2 of 4 stars). 2 submissions from 2 submitters: Pathogenic (2). Last evaluated 2024-10-04.

Conditions:
Cardiovascular phenotype. Identifiers: MedGen CN230736.

Submissions (2):

Ambry Genetics
Classification: Pathogenic for Cardiovascular phenotype. Last evaluated: 2024-10-04. Review status: criteria provided, single submitter. Criteria: Ambry Variant Classification Scheme 2023. Collection method: clinical testing. Allele origin: germline.
Comment: The c.1963dupC pathogenic mutation, located in coding exon 1 of the ZNF469 gene, results from a duplication of C at nucleotide position 1963, causing a translational frameshift with a predicted alternate stop codon (p.H655Pfs*83). This variant has been identified in trans with another ZNF469 variant in an individual with features consistent with ZNF469-related brittle cornea syndrome (Menzel-Severing J et al. Ophthalmologe, 2019 Aug;116:780-784). This alteration is expected to result in loss of function by premature protein truncation or nonsense-mediated mRNA decay. As such, this alteration is interpreted as a disease-causing mutation.

Labcorp Genetics (formerly Invitae), Labcorp
Classification: Pathogenic. Last evaluated: 2024-05-21. Review status: criteria provided, single submitter. Criteria: Invitae Variant Classification Sherloc (09022015). Collection method: clinical testing. Allele origin: germline.
Comment: This sequence change creates a premature translational stop signal (p.His655Profs*83) in the ZNF469 gene. It is expected to result in an absent or disrupted protein product. Loss-of-function variants in ZNF469 are known to be pathogenic (PMID: 23642083, 23680354). This variant is not present in population databases (gnomAD no frequency). This premature translational stop signal has been observed in individual(s) with brittle cornea syndrome (PMID: 30338343). ClinVar contains an entry for this variant (Variation ID: 1420003). For these reasons, this variant has been classified as Pathogenic.

Literature cited by the submitters: PubMed 30338343 (cited by Ambry Genetics and Labcorp Genetics (formerly Invitae), Labcorp); PubMed 23642083 (cited by Labcorp Genetics (formerly Invitae), Labcorp); PubMed 23680354 (cited by Labcorp Genetics (formerly Invitae), Labcorp).

NM_001367624.2(ZNF469):c.1963dup (p.His655fs)

Gene: ZNF469 (zinc finger protein 469; plus strand). Cytogenetic location: 16q24.2.
Variant type: Duplication.
Coding change: c.1963dup on transcript NM_001367624.2 (MANE Select); coding-DNA position 1963, one base duplicated (C; older notation c.1963dupC).
Protein change: p.His655fs; shifts the reading frame from histidine 655.
Molecular consequence: frameshift variant.
Genome position (GRCh38, 1-based): chr16:88,429,433, C duplicated; the last of 7 consecutive C bases (chr16:88,429,427-88,429,433); duplicating any one gives the same sequence. VCF-style (leftmost placement, unchanged base first): chr16-88429426-G-GC. GRCh37 (hg19) VCF-style: chr16-88495834-G-GC.
Other names: NM_001127464.1:c.1963dupC; short protein forms H655fs.
Identifiers: ClinVar variation 1420003 (VCV001420003.8), dbSNP rs1259194902, ClinGen allele CA624447573.
Genomic context (GRCh38, chr16:88,429,426, plus strand): 5'-GGCCTTCTTCCACCCACCCACTCACCCCCAGGAGACGGGCAGCCCCTTCCCGTCCCCGGA[G>GC]CCCCCCCACTCCCTCCCCACCCACTACCAGCCAGAGCCAGCCAAGGCCTTCCCTTTTCCC-3'